The following is an entry in ClinVar:

ClinVar aggregate classification (germline): Benign/Likely benign. Review status: criteria provided, multiple submitters, no conflicts (2 of 4 stars). 10 submissions from 10 submitters: Benign (7); Likely benign (1). 2 of the submissions do not count toward it. Last evaluated 2026-01-27.

Conditions:
Melanoma, cutaneous malignant, susceptibility to, 9. Also called: Cutaneous malignant melanoma 9. Identifiers: Orphanet 618, MedGen C3554574, MONDO:0014056, OMIM 615134.
Dyskeratosis congenita. Identifiers: Orphanet 1775, MedGen C0265965, MONDO:0015780.
Idiopathic Pulmonary Fibrosis. Also called: Idiopathic fibrosing alveolitis, chronic form; idiopathic fibrosing alveolitis. Identifiers: Orphanet 2032, MedGen C1800706, MeSH D054990, MONDO:0800504.
Dyskeratosis congenita, autosomal dominant 2. Identifiers: MedGen C3151443, MONDO:0013521, OMIM 613989.
Interstitial lung disease 2 (ILD2). Also called: FIBROCYSTIC PULMONARY DYSPLASIA; FIBROSING ALVEOLITIS, CRYPTOGENIC; Familial idiopathic pulmonary fibrosis. Identifiers: Orphanet 2032, Orphanet 79126, MedGen C5561926, MONDO:0800497, OMIM 178500, MONDO:0800029.

Allele frequency attached by ClinVar (database versions not stated): TOPMed 0.00023; gnomAD 0.00024 and 0.00042; gnomAD exomes 0.00081; ExAC 0.00121; 1000 Genomes Project 30x 0.00281; 1000 Genomes Project 0.00339.
gnomAD v4.1: 288 of 1,562,232 alleles (0.018%); highest among the groups gnomAD compares: East Asian, 0.45%; 3 homozygotes.

Submissions (10):

Labcorp Genetics (formerly Invitae), Labcorp
Classification: Benign for Dyskeratosis congenita, autosomal dominant 2; Idiopathic Pulmonary Fibrosis. Last evaluated: 2026-01-27. Review status: criteria provided, single submitter. Criteria: Invitae Variant Classification Sherloc (09022015). Collection method: clinical testing. Allele origin: germline.

KCCC/NGS Laboratory, Kuwait Cancer Control Center
Classification: Benign for Melanoma, cutaneous malignant, susceptibility to, 9. Last evaluated: 2025-02-01. Review status: criteria provided, single submitter. Criteria: ACMG Guidelines, 2015. Collection method: clinical testing. Allele origin: germline. Affected: no.

Blueprint Genetics
Classification: Likely benign. Last evaluated: 2024-10-08. Review status: criteria provided, single submitter. Criteria: ACMG Guidelines, 2015. Collection method: clinical testing. Allele origin: germline.

CeGaT Center for Human Genetics Tuebingen
Classification: Benign. Last evaluated: 2022-03-01. Review status: criteria provided, single submitter. Criteria: CeGaT Center For Human Genetics Tuebingen Variant Classification Criteria Version 2. Collection method: clinical testing. Allele origin: germline. Affected: yes. Observed: 1 variant allele.
Comment: TERT: BS1, BS2

Genetic Services Laboratory, University of Chicago
Classification: Benign. Last evaluated: 2021-08-11. Review status: criteria provided, single submitter. Criteria: ACMG Guidelines, 2015. Collection method: clinical testing. Allele origin: germline. Affected: no.

Sema4
Classification: Benign for Dyskeratosis congenita. Last evaluated: 2020-03-26. Review status: criteria provided, single submitter. Criteria: Sema4 Curation Guidelines. Collection method: curation. Allele origin: germline.

Mendelics
Classification: Benign for Interstitial lung disease 2. Last evaluated: 2019-05-28. Review status: criteria provided, single submitter. Criteria: Mendelics Assertion Criteria 2017. Collection method: clinical testing. Allele origin: unknown.

Ambry Genetics
Classification: Benign for Dyskeratosis congenita. Last evaluated: 2018-02-23. Review status: criteria provided, single submitter. Criteria: Ambry Variant Classification Scheme 2023. Collection method: clinical testing. Allele origin: germline.

Clinical Genetics DNA and cytogenetics Diagnostics Lab, Erasmus MC, Erasmus Medical Center
Classification: Likely benign. Review status: no assertion criteria provided. Collection method: clinical testing. Allele origin: germline. Affected: yes. Study: VKGL Data-share Consensus. Not counted in ClinVar's aggregate classification.

Genome Diagnostics Laboratory, University Medical Center Utrecht
Classification: Likely benign. Review status: no assertion criteria provided. Collection method: clinical testing. Allele origin: germline. Affected: yes. Study: VKGL Data-share Consensus. Not counted in ClinVar's aggregate classification.

NM_198253.3(TERT):c.1138C>T (p.Pro380Ser)

Gene: TERT (telomerase reverse transcriptase; minus strand). Cytogenetic location: 5p15.33.
Variant type: single nucleotide variant.
Coding change: c.1138C>T on transcript NM_198253.3 (MANE Select); coding-DNA position 1138, C replaced by T.
Protein change: p.Pro380Ser; replaces proline 380 with serine.
Molecular consequence: missense variant. On other transcripts: non-coding transcript variant (2).
Genome position (GRCh38, 1-based): chr5:1,293,748, G>A on the plus strand (C>T on the coding strand, the complement: TERT is on the minus strand). VCF-style: chr5-1293748-G-A. GRCh37 (hg19) VCF-style: chr5-1293863-G-A.
Other names: c.1138C>T, p.Pro380Ser (NM_001193376.3); short protein forms P380S.
Identifiers: ClinVar variation 242211 (VCV000242211.46), dbSNP rs144756946, ClinGen allele CA3184872.
Genomic context (GRCh38, chr5:1,293,748, plus strand): 5'-GGTTCCCAAGCAGCTCCAGAAACAGGGGCCGCATTTGCCAGTAGCGCTGGGGCAGGCGGG[G>A]CAACCTGCGGGGAGTCCCTGGCATCCAGGGCCTGGAACCCAGAAAGATGGTCTCCACGAG-3'
Protein context (NP_937983.2, residues 370-390): PWMPGTPRRL[Pro380Ser]RLPQRYWQMR